The following is an entry in ClinVar:

ClinVar aggregate classification (germline): Uncertain significance (1 of 4 stars; one submission).

Conditions:
Inborn genetic diseases. Identifiers: MedGen C0950123, MeSH D030342.

gnomAD v4.1: 1 of 1,613,998 alleles (0.000062%); highest among the groups gnomAD compares: African/African-American, 0.0013%; no homozygotes.

Submission:

Ambry Genetics
Classification: Uncertain significance for Inborn genetic diseases. Last evaluated: 2025-03-31. Review status: criteria provided, single submitter. Criteria: Ambry Variant Classification Scheme 2023. Collection method: clinical testing. Allele origin: germline.
Comment: The p.I598M variant (also known as c.1794C>G), located in coding exon 12 of the BMPR2 gene, results from a C to G substitution at nucleotide position 1794. The isoleucine at codon 598 is replaced by methionine, an amino acid with highly similar properties. This amino acid position is conserved. In addition, this alteration is predicted to be tolerated by in silico analysis. Based on the available evidence, the clinical significance of this variant remains unclear.

NM_001204.7(BMPR2):c.1794C>G (p.Ile598Met)

Gene: BMPR2 (bone morphogenetic protein receptor type 2; plus strand). Cytogenetic location: 2q33.2.
Variant type: single nucleotide variant.
Coding change: c.1794C>G on transcript NM_001204.7 (MANE Select); coding-DNA position 1794, C replaced by G.
Protein change: p.Ile598Met; replaces isoleucine 598 with methionine.
Molecular consequence: missense variant.
Genome position (GRCh38, 1-based): chr2:202,555,459, C>G. VCF-style: chr2-202555459-C-G. GRCh37 (hg19) VCF-style: chr2-203420182-C-G.
Other names: short protein forms I598M.
Identifiers: ClinVar variation 3992086 (VCV003992086.1).
Genomic context (GRCh38, chr2:202,555,459, plus strand): 5'-TATAGGGGAAAAAAACCGAAATTCAATTAACTATGAACGACAGCAAGCACAAGCTCGAAT[C>G]CCCAGCCCTGAAACAAGTGTCACCAGCCTCTCCACCAACACAACAACCACAAACACCACA-3'
Protein context (NP_001195.2, residues 588-608): NYERQQAQAR[Ile598Met]PSPETSVTSL